The following is an entry in ClinVar:

NM_022455.5(NSD1):c.2352_2353delinsAA (p.Pro785Thr)

Gene: NSD1 (nuclear receptor binding SET domain protein 1; plus strand). Cytogenetic location: 5q35.3.
Variant type: Indel.
Coding change: c.2352_2353delinsAA on transcript NM_022455.5 (MANE Select); coding-DNA positions 2352 to 2353, GC replaced by AA.
Protein change: p.Pro785Thr; replaces proline 785 with threonine.
Molecular consequence: missense variant.
Genome position (GRCh38, 1-based): chr5:177,210,751-177,210,752, GC replaced by AA. VCF-style: chr5-177210751-GC-AA. GRCh37 (hg19) VCF-style: chr5-176637752-GC-AA.
Other names: c.1479_1480delGCinsAA, p.Pro494Thr (NM_001365684.2, NM_001409306.1, NM_001409307.1 and 3 more transcripts); c.2352_2353delGCinsAA, p.Pro785Thr (NM_001409301.1, NM_001409302.1, NM_001409303.1); c.1932_1933delGCinsAA, p.Pro645Thr (NM_001409304.1); c.1599_1600delGCinsAA, p.Pro534Thr (NM_001409305.1); short protein forms P516T, P785T, P494T, P534T, P645T.
Identifiers: ClinVar variation 1036621 (VCV001036621.7), dbSNP rs1763273634, ClinGen allele CA1603475958.

ClinVar aggregate classification (germline): Uncertain significance (1 of 4 stars; one submission).

Submission:

Labcorp Genetics (formerly Invitae), Labcorp
Classification: Uncertain significance. Last evaluated: 2023-11-27. Review status: criteria provided, single submitter. Criteria: Invitae Variant Classification Sherloc (09022015). Collection method: clinical testing. Allele origin: germline.
Comment: This sequence change replaces proline, which is neutral and non-polar, with threonine, which is neutral and polar, at codon 785 of the NSD1 protein (p.Pro785Thr). Information on the frequency of this variant in the gnomAD database is not available, as this variant may be reported differently in the database. This variant has not been reported in the literature in individuals affected with NSD1-related conditions. ClinVar contains an entry for this variant (Variation ID: 1036621). Experimental studies and prediction algorithms are not available or were not evaluated, and the functional significance of this variant is currently unknown. In summary, the available evidence is currently insufficient to determine the role of this variant in disease. Therefore, it has been classified as a Variant of Uncertain Significance.